The following is an entry in ClinVar:

ClinVar aggregate classification (germline): Uncertain significance (1 of 4 stars; one submission).

Conditions:
Dilated cardiomyopathy 1DD (CMD1DD). Identifiers: Orphanet 154, MedGen C2750995, MONDO:0013168, OMIM 613172.

Allele frequency attached by ClinVar (database versions not stated): TOPMed below 0.00001.

Submission:

Labcorp Genetics (formerly Invitae), Labcorp
Classification: Uncertain significance for Dilated cardiomyopathy 1DD. Last evaluated: 2025-12-19. Review status: criteria provided, single submitter. Criteria: Invitae Variant Classification Sherloc (09022015). Collection method: clinical testing. Allele origin: germline.
Comment: This sequence change replaces serine, which is neutral and polar, with asparagine, which is neutral and polar, at codon 893 of the RBM20 protein (p.Ser893Asn). This variant is not present in population databases (gnomAD no frequency). This variant has not been reported in the literature in individuals affected with RBM20-related conditions. ClinVar contains an entry for this variant (Variation ID: 1439893). Invitae Evidence Modeling of protein sequence and biophysical properties (such as structural, functional, and spatial information, amino acid conservation, physicochemical variation, residue mobility, and thermodynamic stability) indicates that this missense variant is not expected to disrupt RBM20 protein function with a negative predictive value of 95%. In summary, the available evidence is currently insufficient to determine the role of this variant in disease. Therefore, it has been classified as a Variant of Uncertain Significance.

NM_001134363.3(RBM20):c.2678G>A (p.Ser893Asn)

Gene: RBM20 (RNA binding motif protein 20; plus strand). Cytogenetic location: 10q25.2.
Variant type: single nucleotide variant.
Coding change: c.2678G>A on transcript NM_001134363.3 (MANE Select); coding-DNA position 2678, G replaced by A.
Protein change: p.Ser893Asn; replaces serine 893 with asparagine.
Molecular consequence: missense variant.
Genome position (GRCh38, 1-based): chr10:110,821,297, G>A. VCF-style: chr10-110821297-G-A. GRCh37 (hg19) VCF-style: chr10-112581055-G-A.
Other names: short protein forms S893N.
Identifiers: ClinVar variation 1439893 (VCV001439893.8), dbSNP rs1336475076, ClinGen allele CA378377134.